The following is an entry in ClinVar:

ClinVar aggregate classification (germline): Uncertain significance (1 of 4 stars; one submission).

Allele frequency attached by ClinVar (database versions not stated): gnomAD 0.00001; TOPMed 0.00001.
gnomAD v4.1: 3 of 1,610,824 alleles (0.00019%); highest among the groups gnomAD compares: Non-Finnish European, 0.00025%; no homozygotes.

Submission:

Labcorp Genetics (formerly Invitae), Labcorp
Classification: Uncertain significance. Last evaluated: 2023-11-27. Review status: criteria provided, single submitter. Criteria: Invitae Variant Classification Sherloc (09022015). Collection method: clinical testing. Allele origin: germline.
Comment: This sequence change replaces tyrosine, which is neutral and polar, with serine, which is neutral and polar, at codon 279 of the GANAB protein (p.Tyr279Ser). This variant is not present in population databases (gnomAD no frequency). This variant has not been reported in the literature in individuals affected with GANAB-related conditions. ClinVar contains an entry for this variant (Variation ID: 2144407). Advanced modeling of protein sequence and biophysical properties (such as structural, functional, and spatial information, amino acid conservation, physicochemical variation, residue mobility, and thermodynamic stability) performed at Invitae indicates that this missense variant is expected to disrupt GANAB protein function with a positive predictive value of 80%. In summary, the available evidence is currently insufficient to determine the role of this variant in disease. Therefore, it has been classified as a Variant of Uncertain Significance.

NM_198334.3(GANAB):c.770A>C (p.Tyr257Ser)

Gene: GANAB (glucosidase II alpha subunit; minus strand). Cytogenetic location: 11q12.3.
Variant type: single nucleotide variant.
Coding change: c.770A>C on transcript NM_198334.3 (MANE Select); coding-DNA position 770, A replaced by C.
Protein change: p.Tyr257Ser; replaces tyrosine 257 with serine.
Molecular consequence: missense variant.
Genome position (GRCh38, 1-based): chr11:62,633,050, T>G on the plus strand (A>C on the coding strand, the complement: GANAB is on the minus strand). VCF-style: chr11-62633050-T-G. GRCh37 (hg19) VCF-style: chr11-62400522-T-G.
Other names: c.494A>C, p.Tyr165Ser (NM_001278192.2); c.428A>C, p.Tyr143Ser (NM_001278193.2); c.479A>C, p.Tyr160Ser (NM_001278194.2, NM_001329222.2, NM_001329223.2); c.47A>C, p.Tyr16Ser (NM_001329224.2, NM_001329225.2); c.836A>C, p.Tyr279Ser (NM_198335.4); short protein forms Y160S, Y257S, Y143S, Y165S, Y16S, Y279S.
Identifiers: ClinVar variation 2144407 (VCV002144407.4), dbSNP rs768840430, ClinGen allele CA380995055.